The following is an entry in ClinVar:

NM_001323289.2(CDKL5):c.163G>T (p.Glu55Ter)

Gene: CDKL5 (cyclin dependent kinase like 5; plus strand). Cytogenetic location: Xp22.13.
Variant type: single nucleotide variant.
Coding change: c.163G>T on transcript NM_001323289.2 (MANE Select); coding-DNA position 163, G replaced by T.
Protein change: p.Glu55Ter; replaces glutamic acid 55 with a stop codon.
Molecular consequence: nonsense.
Genome position (GRCh38, 1-based): chrX:18,575,371, G>T. VCF-style: chrX-18575371-G-T. GRCh37 (hg19) VCF-style: chrX-18593491-G-T.
Other names: c.163G>T, p.Glu55Ter (NM_001037343.2, NM_003159.3); short protein forms E55*.
Identifiers: ClinVar variation 2944977 (VCV002944977.3), dbSNP rs2518844542, ClinGen allele CA412348533.

ClinVar aggregate classification (germline): Pathogenic (1 of 4 stars; one submission).

Conditions:
Developmental and epileptic encephalopathy, 2 (DEE2). Also called: INFANTILE SPASM SYNDROME, X-LINKED 2; CDKL5 deficiency disorder. Identifiers: Orphanet 1934, Orphanet 3451, Orphanet 505652, MedGen C4750718, MONDO:0010396, OMIM 300672.
Angelman syndrome-like. Identifiers: MedGen CN128785.

Submission:

Labcorp Genetics (formerly Invitae), Labcorp
Classification: Pathogenic for Developmental and epileptic encephalopathy, 2; Angelman syndrome-like. Last evaluated: 2024-10-24. Review status: criteria provided, single submitter. Criteria: Invitae Variant Classification Sherloc (09022015). Collection method: clinical testing. Allele origin: germline.
Comment: This sequence change creates a premature translational stop signal (p.Glu55*) in the CDKL5 gene. It is expected to result in an absent or disrupted protein product. Loss-of-function variants in CDKL5 are known to be pathogenic (PMID: 22872100). This variant is not present in population databases (gnomAD no frequency). This premature translational stop signal has been observed in individual(s) with epileptic encephalopathy (PMID: 34120799). For these reasons, this variant has been classified as Pathogenic.

Literature cited by the submitters: PubMed 22872100; PubMed 34120799.